The following is an entry in ClinVar:

ClinVar aggregate classification (germline): Uncertain significance (1 of 4 stars; one submission).

Conditions:
Hereditary breast ovarian cancer syndrome. Also called: Hereditary breast and ovarian cancer; Hereditary breast and ovarian cancer syndrome (HBOC); Breast and ovarian cancer; Hereditary breast and/or ovarian cancer syndrome; BRCA1- and BRCA2-Associated Hereditary Breast and Ovarian Cancer; Hereditary breast and ovarian cancer syndrome. Identifiers: Orphanet 145, MedGen C0677776, MeSH D061325, MONDO:0003582. Disease mechanism: loss of function.

Submissions (2):

Labcorp Genetics (formerly Invitae), Labcorp
Classification: Uncertain significance for Hereditary breast ovarian cancer syndrome. Last evaluated: 2021-05-15. Review status: criteria provided, single submitter. Criteria: Invitae Variant Classification Sherloc (09022015). Collection method: clinical testing. Allele origin: germline.
Comment: Experimental studies are conflicting or provide insufficient evidence to determine the effect of this variant on BRCA1 protein function (PMID: 30209399). This variant has not been reported in the literature in individuals affected with BRCA1-related conditions. ClinVar contains an entry for this variant (Variation ID: 868802). In summary, the available evidence is currently insufficient to determine the role of this variant in disease. Therefore, it has been classified as a Variant of Uncertain Significance. Advanced modeling of protein sequence and biophysical properties (such as structural, functional, and spatial information, amino acid conservation, physicochemical variation, residue mobility, and thermodynamic stability) performed at Invitae indicates that this missense variant is not expected to disrupt BRCA1 protein function. This variant is not present in population databases (ExAC no frequency). This sequence change replaces leucine with valine at codon 82 of the BRCA1 protein (p.Leu82Val). The leucine residue is highly conserved and there is a small physicochemical difference between leucine and valine.

Brotman Baty Institute, University of Washington
No classification provided (evidence only). Condition: Breast-ovarian cancer, familial 1. Review status: no classification provided. Collection method: in vitro. Allele origin: not applicable. Functional consequence: function_uncertain_variant. Not counted in ClinVar's aggregate classification.
ClinVar note: "not provided" was previously submitted as the classification for the variant. However, the classification appeared to be based only on an observation of functional data so it was converted to no classification on 2025-07-30.

Literature cited by the submitters: PubMed 30209399 (cited by Labcorp Genetics (formerly Invitae), Labcorp).

NM_007294.4(BRCA1):c.244C>G (p.Leu82Val)

Gene: BRCA1 (BRCA1 DNA repair associated; minus strand). Cytogenetic location: 17q21.31.
Variant type: single nucleotide variant.
Coding change: c.244C>G on transcript NM_007294.4 (MANE Select); coding-DNA position 244, C replaced by G.
Protein change: p.Leu82Val; replaces leucine 82 with valine.
Molecular consequence: missense variant. On other transcripts: non-coding transcript variant (1).
Genome position (GRCh38, 1-based): chr17:43,104,925, G>C on the plus strand (C>G on the coding strand, the complement: BRCA1 is on the minus strand). VCF-style: chr17-43104925-G-C. GRCh37 (hg19) VCF-style: chr17-41256942-G-C.
Other names: c.244C>G, p.Leu82Val (NM_001407628.1, NM_001407629.1, NM_001407630.1 and 168 more transcripts); c.166C>G, p.Leu56Val (NM_001407653.1, NM_001407654.1, NM_001407655.1 and 21 more transcripts); c.103C>G, p.Leu35Val (NM_001407692.1, NM_001407694.1, NM_001407695.1 and 99 more transcripts); c.34C>G, p.Leu12Val (NM_001407853.1, NM_001407879.1, NM_001407881.1 and 58 more transcripts); c.-138C>G (NM_001407959.1, NM_001407960.1, NM_001407962.1 and 4 more transcripts); c.112C>G, p.Leu38Val (NM_001408451.1); short protein forms L35V, L82V, L56V, L12V, L38V.
Identifiers: ClinVar variation 868802 (VCV000868802.11), dbSNP rs2054688287, ClinGen allele CA10601668.